The following is an entry in ClinVar:

ClinVar aggregate classification (germline): Uncertain significance. Review status: criteria provided, multiple submitters, no conflicts (2 of 4 stars). 3 submissions from 3 submitters: Uncertain significance (2). 1 of the submissions does not count toward it. Last evaluated 2025-04-20.

Conditions:
Hereditary cancer-predisposing syndrome. Also called: Hereditary neoplastic syndrome; Tumor predisposition; Neoplastic Syndromes, Hereditary; Hereditary Cancer Syndrome. Identifiers: Orphanet 140162, MedGen C0027672, MeSH D009386, MONDO:0015356.
Bloom syndrome (BLM). Also called: Bloom-Torre-Machacek syndrome. Identifiers: Orphanet 125, MedGen C0005859, MONDO:0008876, OMIM 210900.

Allele frequency attached by ClinVar (database versions not stated): gnomAD exomes below 0.00001.
gnomAD v4.1: 8 of 1,614,082 alleles (0.0005%); highest among the groups gnomAD compares: South Asian, 0.0066%; no homozygotes.

Submissions (3):

Labcorp Genetics (formerly Invitae), Labcorp
Classification: Uncertain significance for Bloom syndrome. Last evaluated: 2025-04-20. Review status: criteria provided, single submitter. Criteria: Invitae Variant Classification Sherloc (09022015). Collection method: clinical testing. Allele origin: germline.
Comment: This sequence change replaces proline, which is neutral and non-polar, with leucine, which is neutral and non-polar, at codon 1408 of the BLM protein (p.Pro1408Leu). This variant is present in population databases (no rsID available, gnomAD 0.003%). This variant has not been reported in the literature in individuals affected with BLM-related conditions. ClinVar contains an entry for this variant (Variation ID: 656856). An algorithm developed to predict the effect of missense changes on protein structure and function (PolyPhen-2) suggests that this variant is likely to be tolerated. In summary, the available evidence is currently insufficient to determine the role of this variant in disease. Therefore, it has been classified as a Variant of Uncertain Significance.

Ambry Genetics
Classification: Uncertain significance for Hereditary cancer-predisposing syndrome. Last evaluated: 2023-04-30. Review status: criteria provided, single submitter. Criteria: Ambry Variant Classification Scheme 2023. Collection method: clinical testing. Allele origin: germline.
Comment: The p.P1408L variant (also known as c.4223C>T), located in coding exon 21 of the BLM gene, results from a C to T substitution at nucleotide position 4223. The proline at codon 1408 is replaced by leucine, an amino acid with similar properties. This amino acid position is well conserved in available vertebrate species. In addition, this alteration is predicted to be tolerated by in silico analysis. Since supporting evidence is limited at this time, the clinical significance of this alteration remains unclear.

Natera, Inc.
Classification: Uncertain significance for Bloom syndrome. Last evaluated: 2020-04-24. Review status: no assertion criteria provided. Collection method: clinical testing. Allele origin: germline. Not counted in ClinVar's aggregate classification.

NM_000057.4(BLM):c.4223C>T (p.Pro1408Leu)

Gene: BLM (BLM RecQ like helicase; plus strand). Cytogenetic location: 15q26.1.
Variant type: single nucleotide variant.
Coding change: c.4223C>T on transcript NM_000057.4 (MANE Select); coding-DNA position 4223, C replaced by T.
Protein change: p.Pro1408Leu; replaces proline 1408 with leucine.
Molecular consequence: missense variant.
Genome position (GRCh38, 1-based): chr15:90,815,248, C>T. VCF-style: chr15-90815248-C-T. GRCh37 (hg19) VCF-style: chr15-91358478-C-T.
Other names: c.4223C>T, p.Pro1408Leu (NM_001287246.2); c.3830C>T, p.Pro1277Leu (NM_001287247.2); c.3098C>T, p.Pro1033Leu (NM_001287248.2); short protein forms P1408L, P1277L, P1033L.
Identifiers: ClinVar variation 656856 (VCV000656856.15), dbSNP rs1022266595, ClinGen allele CA274731614.